The following is an entry in ClinVar:

ClinVar aggregate classification (germline): Benign/Likely benign. Review status: criteria provided, multiple submitters, no conflicts (2 of 4 stars). 3 submissions from 3 submitters: Benign (1); Likely benign (2). Last evaluated 2024-06-26.

Conditions:
Hereditary cancer-predisposing syndrome. Also called: Hereditary Cancer Syndrome; Hereditary neoplastic syndrome; Neoplastic Syndromes, Hereditary; Tumor predisposition. Identifiers: Orphanet 140162, MedGen C0027672, MeSH D009386, MONDO:0015356.
Oligodontia-cancer predisposition syndrome. Also called: TOOTH AGENESIS-COLORECTAL CANCER SYNDROME. Identifiers: Orphanet 300576, MedGen C1837750, MONDO:0012075, OMIM 608615. Disease mechanism: loss of function.

Allele frequency attached by ClinVar (database versions not stated): TOPMed below 0.00001.

Submissions (3):

Myriad Genetics, Inc.
Classification: Benign for Oligodontia-cancer predisposition syndrome. Last evaluated: 2024-06-26. Review status: criteria provided, single submitter. Criteria: Myriad Autosomal Dominant, Autosomal Recessive and X-Linked Classification Criteria (2023). Collection method: clinical testing. Allele origin: unknown.
Comment: This variant is considered benign. This variant is a silent/synonymous amino acid change and it is not expected to impact splicing.

Labcorp Genetics (formerly Invitae), Labcorp
Classification: Likely benign for Oligodontia-cancer predisposition syndrome. Last evaluated: 2022-05-20. Review status: criteria provided, single submitter. Criteria: Invitae Variant Classification Sherloc (09022015). Collection method: clinical testing. Allele origin: germline.

Ambry Genetics
Classification: Likely benign for Hereditary cancer-predisposing syndrome. Last evaluated: 2019-09-15. Review status: criteria provided, single submitter. Criteria: Ambry Variant Classification Scheme 2023. Collection method: clinical testing. Allele origin: germline.

NM_004655.4(AXIN2):c.465C>G (p.Thr155=)

Gene: AXIN2 (axin 2; minus strand). Cytogenetic location: 17q24.1.
Variant type: single nucleotide variant.
Coding change: c.465C>G on transcript NM_004655.4 (MANE Select); coding-DNA position 465, C replaced by G.
Protein change: p.Thr155=; no amino-acid change (threonine 155 retained).
Molecular consequence: synonymous variant.
Genome position (GRCh38, 1-based): chr17:65,558,156, G>C on the plus strand (C>G on the coding strand, the complement: AXIN2 is on the minus strand). VCF-style: chr17-65558156-G-C. GRCh37 (hg19) VCF-style: chr17-63554274-G-C.
Other names: c.465C>G, p.Thr155= (NM_001363813.1).
Identifiers: ClinVar variation 1742227 (VCV001742227.8), dbSNP rs1555583449, ClinGen allele CA501691727.